The following is an entry in ClinVar:

NM_020937.4(FANCM):c.3998A>C (p.Gln1333Pro)

Gene: FANCM (FA complementation group M; plus strand). Cytogenetic location: 14q21.2.
Variant type: single nucleotide variant.
Coding change: c.3998A>C on transcript NM_020937.4 (MANE Select); coding-DNA position 3998, A replaced by C.
Protein change: p.Gln1333Pro; replaces glutamine 1333 with proline.
Molecular consequence: missense variant.
Genome position (GRCh38, 1-based): chr14:45,176,752, A>C. VCF-style: chr14-45176752-A-C. GRCh37 (hg19) VCF-style: chr14-45645955-A-C.
Other names: c.3998A>C (LRG_502t1, NM_020937.3); c.3920A>C, p.Gln1307Pro (NM_001308133.2); short protein forms Q1333P, Q1307P.
Identifiers: ClinVar variation 313213 (VCV000313213.20), dbSNP rs143681767, ClinGen allele CA7169613.

ClinVar aggregate classification (germline): Conflicting classifications of pathogenicity. Review status: criteria provided, conflicting classifications (1 of 4 stars). 4 submissions from 4 submitters: Uncertain significance (3); Likely benign (1). Last evaluated 2025-01-31.

Conditions:
Fanconi anemia (FA). Also called: Fanconi's anemia. Identifiers: Orphanet 84, MedGen C0015625, MeSH D005199, MONDO:0019391.

Allele frequency attached by ClinVar (database versions not stated): gnomAD 0.00007; ExAC 0.00009; TOPMed 0.00009; gnomAD exomes 0.00013 and 0.00031; ESP Exome Variant Server 0.00015.
gnomAD v4.1: 472 of 1,603,532 alleles (0.029%); highest among the groups gnomAD compares: Non-Finnish European, 0.038%; 1 homozygote.

Submissions (4):

GeneDx
Classification: Uncertain significance. Last evaluated: 2025-01-31. Review status: criteria provided, single submitter. Criteria: GeneDx Variant Classification Process June 2021. Collection method: clinical testing. Allele origin: germline. Affected: yes.
Comment: In silico analysis indicates that this missense variant does not alter protein structure/function; Observed in individuals with breast, colorectal, or ovarian cancer, but also in unaffected controls (PMID: 27713038, 28881617, 36315097); This variant is associated with the following publications: (PMID: 27713038, 28881617, 27363283, 36315097)

Labcorp Genetics (formerly Invitae), Labcorp
Classification: Uncertain significance for Fanconi anemia. Last evaluated: 2025-01-27. Review status: criteria provided, single submitter. Criteria: Invitae Variant Classification Sherloc (09022015). Collection method: clinical testing. Allele origin: germline.
Comment: This sequence change replaces glutamine, which is neutral and polar, with proline, which is neutral and non-polar, at codon 1333 of the FANCM protein (p.Gln1333Pro). This variant is present in population databases (rs143681767, gnomAD 0.02%). This variant has not been reported in the literature in individuals affected with FANCM-related conditions. ClinVar contains an entry for this variant (Variation ID: 313213). An algorithm developed to predict the effect of missense changes on protein structure and function (PolyPhen-2) suggests that this variant¬†is likely to be tolerated. In summary, the available evidence is currently insufficient to determine the role of this variant in disease. Therefore, it has been classified as a Variant of Uncertain Significance.

Blueprint Genetics
Classification: Likely benign. Last evaluated: 2024-09-19. Review status: criteria provided, single submitter. Criteria: ACMG Guidelines, 2015. Collection method: clinical testing. Allele origin: germline.

Quest Diagnostics Nichols Institute San Juan Capistrano
Classification: Uncertain significance. Last evaluated: 2024-07-01. Review status: criteria provided, single submitter. Criteria: Quest Diagnostics criteria. Collection method: clinical testing. Allele origin: unknown.
Comment: The FANCM c.3998A>C (p.Gln1333Pro) variant has been reported in the published literature in individuals with breast cancer and in reportedly healthy individuals (PMID: 33471991 (2021), see also LOVD). Additionally, this variant has been seen in individuals over the age of 70 who have not developed cancer (FLOSSIES). The frequency of this variant in the general population, 0.00025 (32/126186 chromosomes (Genome Aggregation Database)), is uninformative in the assessment of its pathogenicity. Analysis of this variant using bioinformatics tools for the prediction of the effect of amino acid changes on protein structure and function yielded predictions that this variant is benign. Based on the available information, we are unable to determine the clinical significance of this variant.

Literature cited by the submitters: PubMed 33471991 (cited by Quest Diagnostics Nichols Institute San Juan Capistrano).